The following is an entry in ClinVar:

ClinVar aggregate classification (germline): Uncertain significance. Review status: criteria provided, multiple submitters, no conflicts (2 of 4 stars). 2 submissions from 2 submitters: Uncertain significance (2). Last evaluated 2023-03-01.

Conditions:
Progressive myoclonic epilepsy type 5. Identifiers: Orphanet 402082, MedGen C5190799.

Allele frequency attached by ClinVar (database versions not stated): gnomAD exomes below 0.00001; TOPMed below 0.00001.
gnomAD v4.1: 4 of 1,614,112 alleles (0.00025%); highest among the groups gnomAD compares: Non-Finnish European, 0.00034%; no homozygotes.

Submissions (2):

Ambry Genetics
Classification: Uncertain significance. Last evaluated: 2023-03-01. Review status: criteria provided, single submitter. Criteria: Ambry Variant Classification Scheme 2023. Collection method: clinical testing. Allele origin: germline.

Labcorp Genetics (formerly Invitae), Labcorp
Classification: Uncertain significance for Progressive myoclonic epilepsy type 5. Last evaluated: 2022-02-24. Review status: criteria provided, single submitter. Criteria: Invitae Variant Classification Sherloc (09022015). Collection method: clinical testing. Allele origin: germline.
Comment: In summary, the available evidence is currently insufficient to determine the role of this variant in disease. Therefore, it has been classified as a Variant of Uncertain Significance. Algorithms developed to predict the effect of missense changes on protein structure and function (SIFT, PolyPhen-2, Align-GVGD) all suggest that this variant is likely to be tolerated. This variant has not been reported in the literature in individuals affected with PRICKLE2-related conditions. This variant is present in population databases (no rsID available, gnomAD no frequency). This sequence change replaces glycine, which is neutral and non-polar, with valine, which is neutral and non-polar, at codon 746 of the PRICKLE2 protein (p.Gly746Val).

NM_198859.4(PRICKLE2):c.2237G>T (p.Gly746Val)

Genes: PRICKLE2 (prickle planar cell polarity protein 2; minus strand), PRICKLE2-AS1 (PRICKLE2 antisense RNA 1; plus strand). Cytogenetic location: 3p14.1.
Variant type: single nucleotide variant.
Coding change: c.2237G>T on transcript NM_198859.4 (MANE Select); coding-DNA position 2237, G replaced by T.
Protein change: p.Gly746Val; replaces glycine 746 with valine.
Molecular consequence: missense variant. On other transcripts: non-coding transcript variant (1).
Genome position (GRCh38, 1-based): chr3:64,099,349, C>A on the plus strand (G>T on the coding strand, the complement: PRICKLE2 is on the minus strand). VCF-style: chr3-64099349-C-A. GRCh37 (hg19) VCF-style: chr3-64085025-C-A.
Other names: c.2237G>T, p.Gly746Val (NM_001370528.1); c.2237G>T (NM_198859.3); short protein forms G746V.
Identifiers: ClinVar variation 1372535 (VCV001372535.8), dbSNP rs1248829595, ClinGen allele CA353426482.
Genomic context (GRCh38, chr3:64,099,349, plus strand): 5'-CCCCAGCGGTCCCCAAAGGCATTCTGCAAAGCCAGGTCCGACACAGTCCTAGGGCACTGG[C>A]CGTACAGGTCCCTCCGGGACCCATGCCCCATGCTCTCCTGGAAGCTCCGCTGGCGCATAA-3'
Protein context (NP_942559.1, residues 736-756): MGHGSRRDLY[Gly746Val]QCPRTVSDLA